The following is an entry in ClinVar:

NM_001277115.2(DNAH11):c.11812G>A (p.Asp3938Asn)

Gene: DNAH11 (dynein axonemal heavy chain 11; plus strand). Cytogenetic location: 7p15.3.
Variant type: single nucleotide variant.
Coding change: c.11812G>A on transcript NM_001277115.2 (MANE Select); coding-DNA position 11812, G replaced by A.
Protein change: p.Asp3938Asn; replaces aspartic acid 3938 with asparagine.
Molecular consequence: missense variant.
Genome position (GRCh38, 1-based): chr7:21,867,980, G>A. VCF-style: chr7-21867980-G-A. GRCh37 (hg19) VCF-style: chr7-21907598-G-A.
Other names: short protein forms D3938N.
Identifiers: ClinVar variation 1695184 (VCV001695184.31), dbSNP rs1783347554, ClinGen allele CA366962529.
Genomic context (GRCh38, chr7:21,867,980, plus strand): 5'-AAAGCATTCGAAGAAAGCAGCCCAGCCACCCCCATATTCTTCATCCTGTCTCCGGGGGTA[G>A]ATGCCCTTAAAGACCTGGAGATTCTTGGTGAGTGGCTGGGAGGCTCGCTGGCCCGCCCCT-3'
Protein context (NP_001264044.1, residues 3928-3948): PIFFILSPGV[Asp3938Asn]ALKDLEILGK

ClinVar aggregate classification (germline): Uncertain significance (1 of 4 stars; one submission).

Submission:

CeGaT Center for Human Genetics Tuebingen
Classification: Uncertain significance. Last evaluated: 2022-05-01. Review status: criteria provided, single submitter. Criteria: CeGaT Center For Human Genetics Tuebingen Variant Classification Criteria Version 2. Collection method: clinical testing. Allele origin: germline. Affected: yes. Observed: 1 variant allele.
Comment: DNAH11: PM2